The following is an entry in ClinVar:

ClinVar aggregate classification (germline): Likely benign. Review status: criteria provided, multiple submitters, no conflicts (2 of 4 stars). 3 submissions from 3 submitters: Likely benign (3). Last evaluated 2026-09-25.

Conditions:
Cardiovascular phenotype. Identifiers: MedGen CN230736.
Hypertrophic cardiomyopathy 14. Identifiers: MedGen C2750467, MONDO:0013197, OMIM 613251.
MYH6-related disorder. Also called: MYH6-related condition; MYH6-Related Disorders.

Submissions (3):

PreventionGenetics, part of Exact Sciences
Classification: Likely benign for MYH6-related condition. Last evaluated: 2026-09-25. Review status: criteria provided, single submitter. Criteria: ACMG Guidelines, 2015. Collection method: clinical testing. Allele origin: germline.
Comment: This variant is classified as likely benign based on ACMG/AMP sequence variant interpretation guidelines (Richards et al. 2015 PMID: 25741868, with internal and published modifications).

Ambry Genetics
Classification: Likely benign for Cardiovascular phenotype. Last evaluated: 2024-10-22. Review status: criteria provided, single submitter. Criteria: Ambry Variant Classification Scheme 2023. Collection method: clinical testing. Allele origin: germline.

Labcorp Genetics (formerly Invitae), Labcorp
Classification: Likely benign for Hypertrophic cardiomyopathy 14. Last evaluated: 2024-06-20. Review status: criteria provided, single submitter. Criteria: Invitae Variant Classification Sherloc (09022015). Collection method: clinical testing. Allele origin: germline.

NM_002471.4(MYH6):c.2568A>G (p.Glu856=)

Gene: MYH6 (myosin heavy chain 6; minus strand). Cytogenetic location: 14q11.2.
Variant type: single nucleotide variant.
Coding change: c.2568A>G on transcript NM_002471.4 (MANE Select); coding-DNA position 2568, A replaced by G.
Protein change: p.Glu856=; no amino-acid change (glutamic acid 856 retained).
Molecular consequence: synonymous variant.
Genome position (GRCh38, 1-based): chr14:23,394,185, T>C on the plus strand (A>G on the coding strand, the complement: MYH6 is on the minus strand). VCF-style: chr14-23394185-T-C. GRCh37 (hg19) VCF-style: chr14-23863394-T-C.
Identifiers: ClinVar variation 3400869 (VCV003400869.4).